The following is an entry in ClinVar:

ClinVar aggregate classification (germline): Benign. Review status: criteria provided, multiple submitters, no conflicts (2 of 4 stars). 6 submissions from 6 submitters: Benign (6). Last evaluated 2026-01-31.

Conditions:
Mitochondrial trifunctional protein deficiency. Identifiers: Orphanet 746, MedGen C1969443, MONDO:0012172.
Mitochondrial trifunctional protein deficiency 2 (MTPD2). Identifiers: MedGen C5830374, MONDO:0958185, OMIM 620300.

Allele frequency attached by ClinVar (database versions not stated): gnomAD exomes 0.00096 and 0.00239; ExAC 0.00275; gnomAD 0.00632 and 0.00660; ESP Exome Variant Server 0.00669; TOPMed 0.00697; 1000 Genomes Project 0.00859; 1000 Genomes Project 30x 0.00906.
gnomAD v4.1: 2,433 of 1,611,934 alleles (0.15%); highest among the groups gnomAD compares: African/African-American, 2.1%; 20 homozygotes.

Submissions (6):

Labcorp Genetics (formerly Invitae), Labcorp
Classification: Benign for Mitochondrial trifunctional protein deficiency. Last evaluated: 2026-01-31. Review status: criteria provided, single submitter. Criteria: Invitae Variant Classification Sherloc (09022015). Collection method: clinical testing. Allele origin: germline.

ARUP Laboratories, Molecular Genetics and Genomics, ARUP Laboratories
Classification: Benign for Mitochondrial trifunctional protein deficiency 2. Last evaluated: 2023-11-22. Review status: criteria provided, single submitter. Criteria: ARUP Molecular Germline Variant Investigation Process 2024. Collection method: clinical testing. Allele origin: germline.

Mayo Clinic Laboratories, Mayo Clinic
Classification: Benign. Last evaluated: 2019-02-28. Review status: criteria provided, single submitter. Criteria: ACMG Guidelines, 2015. Collection method: clinical testing. Allele origin: germline. Observed: 10 variant alleles.

Illumina Laboratory Services, Illumina
Classification: Benign for Mitochondrial trifunctional protein deficiency 1. Last evaluated: 2018-01-13. Review status: criteria provided, single submitter. Criteria: ICSL Variant Classification Criteria 13 December 2019. Collection method: clinical testing. Allele origin: germline.
Comment: This variant was observed in the ICSL laboratory as part of a predisposition screen in an ostensibly healthy population. It had not been previously curated by ICSL or reported in the Human Gene Mutation Database (HGMD: prior to June 1st, 2018), and was therefore a candidate for classification through an automated scoring system. Utilizing variant allele frequency, disease prevalence and penetrance estimates, and inheritance mode, an automated score was calculated to assess if this variant is too frequent to cause the disease. Based on the score and internal cut-off values, a variant classified as benign is not then subjected to further curation. The score for this variant resulted in a classification of benign for this disease.

GeneDx
Classification: Benign. Last evaluated: 2014-10-08. Review status: criteria provided, single submitter. Criteria: GeneDx Variant Classification (06012015). Collection method: clinical testing. Allele origin: germline. Affected: yes.
Comment: This variant is considered likely benign or benign based on one or more of the following criteria: it is a conservative change, it occurs at a poorly conserved position in the protein, it is predicted to be benign by multiple in silico algorithms, and/or has population frequency not consistent with disease.

Breakthrough Genomics
Classification: Benign. Review status: criteria provided, single submitter. Criteria: ACMG Guidelines, 2015. Collection method: not provided. Allele origin: germline. Inheritance: Autosomal recessive inheritance. Affected: yes.

NM_000183.3(HADHB):c.891C>T (p.Ile297=)

Gene: HADHB (hydroxyacyl-CoA dehydrogenase trifunctional multienzyme complex subunit beta; plus strand). Cytogenetic location: 2p23.3.
Variant type: single nucleotide variant.
Coding change: c.891C>T on transcript NM_000183.3 (MANE Select); coding-DNA position 891, C replaced by T.
Protein change: p.Ile297=; no amino-acid change (isoleucine 297 retained).
Molecular consequence: synonymous variant.
Genome position (GRCh38, 1-based): chr2:26,280,073, C>T. VCF-style: chr2-26280073-C-T. GRCh37 (hg19) VCF-style: chr2-26502941-C-T.
Other names: p.I297I:ATC>ATT; p.Ile297=; c.846C>T, p.Ile282= (NM_001281512.2); c.825C>T, p.Ile275= (NM_001281513.2).
Identifiers: ClinVar variation 203751 (VCV000203751.17), dbSNP rs56902571, ClinGen allele CA312592.